The following is an entry in ClinVar:

ClinVar aggregate classification (germline): Uncertain significance (1 of 4 stars; one submission).

Submission:

Labcorp Genetics (formerly Invitae), Labcorp
Classification: Uncertain significance. Last evaluated: 2022-10-13. Review status: criteria provided, single submitter. Criteria: Invitae Variant Classification Sherloc (09022015). Collection method: clinical testing. Allele origin: germline.
Comment: This sequence change replaces alanine, which is neutral and non-polar, with valine, which is neutral and non-polar, at codon 364 of the ADGRG1 protein (p.Ala364Val). This variant is not present in population databases (gnomAD no frequency). This variant has not been reported in the literature in individuals affected with ADGRG1-related conditions. Advanced modeling of protein sequence and biophysical properties (such as structural, functional, and spatial information, amino acid conservation, physicochemical variation, residue mobility, and thermodynamic stability) performed at Invitae indicates that this missense variant is not expected to disrupt ADGRG1 protein function. In summary, the available evidence is currently insufficient to determine the role of this variant in disease. Therefore, it has been classified as a Variant of Uncertain Significance.

NM_201525.4(ADGRG1):c.1091C>T (p.Ala364Val)

Gene: ADGRG1 (adhesion G protein-coupled receptor G1; plus strand). Cytogenetic location: 16q21.
Variant type: single nucleotide variant.
Coding change: c.1091C>T on transcript NM_201525.4 (MANE Select); coding-DNA position 1091, C replaced by T.
Protein change: p.Ala364Val; replaces alanine 364 with valine.
Molecular consequence: missense variant.
Genome position (GRCh38, 1-based): chr16:57,656,541, C>T. VCF-style: chr16-57656541-C-T. GRCh37 (hg19) VCF-style: chr16-57690453-C-T.
Other names: c.1091C>T, p.Ala364Val (NM_001145770.3, NM_001145771.3, NM_001145772.3 and 14 more transcripts); c.1106C>T, p.Ala369Val (NM_001145773.3, NM_001370433.1); c.581C>T, p.Ala194Val (NM_001290142.2); c.566C>T, p.Ala189Val (NM_001290143.2, NM_001290144.2, NM_001370451.1 and 2 more transcripts); c.1088C>T, p.Ala363Val (NM_001370434.1, NM_001370441.1); c.935C>T, p.Ala312Val (NM_001370442.1); short protein forms A189V, A194V, A312V, A363V, A364V, A369V.
Identifiers: ClinVar variation 2016146 (VCV002016146.1), dbSNP rs2545368977, ClinGen allele CA396048760.
Genomic context (GRCh38, chr16:57,656,541, plus strand): 5'-CTTGATTGGAGCCCCGTGCTGTCCCCTCCTCAGTGAGCAGCCCGGGGCATTGGAGCAGTG[C>T]TGGGTGTGAGACCGTCAGGAGAGAAACCCAAACATCCTGCTTCTGCAACCACTTGACCTA-3'
Protein context (NP_958933.1, residues 354-374): TLSSPGHWSS[Ala364Val]GCETVRRETQ